The following is an entry in ClinVar:

NM_020937.4(FANCM):c.6121C>G (p.Gln2041Glu)

Gene: FANCM (FA complementation group M; plus strand). Cytogenetic location: 14q21.2.
Variant type: single nucleotide variant.
Coding change: c.6121C>G on transcript NM_020937.4 (MANE Select); coding-DNA position 6121, C replaced by G.
Protein change: p.Gln2041Glu; replaces glutamine 2041 with glutamic acid.
Molecular consequence: missense variant.
Genome position (GRCh38, 1-based): chr14:45,199,982, C>G. VCF-style: chr14-45199982-C-G. GRCh37 (hg19) VCF-style: chr14-45669185-C-G.
Other names: c.6043C>G, p.Gln2015Glu (NM_001308133.2); short protein forms Q2015E, Q2041E.
Identifiers: ClinVar variation 4254723 (VCV004254723.1).

ClinVar aggregate classification (germline): Uncertain significance (1 of 4 stars; one submission).

Conditions:
Inborn genetic diseases. Identifiers: MedGen C0950123, MeSH D030342.

Submission:

Ambry Genetics
Classification: Uncertain significance for Inborn genetic diseases. Last evaluated: 2025-08-30. Review status: criteria provided, single submitter. Criteria: Ambry Variant Classification Scheme 2023. Collection method: clinical testing. Allele origin: germline.
Comment: The p.Q2041E variant (also known as c.6121C>G), located in coding exon 23 of the FANCM gene, results from a C to G substitution at nucleotide position 6121. The glutamine at codon 2041 is replaced by glutamic acid, an amino acid with highly similar properties. This amino acid position is conserved. In addition, this alteration is predicted to be tolerated by in silico analysis. Based on the available evidence, the clinical significance of this variant remains unclear.